The following is an entry in ClinVar:

ClinVar aggregate classification (germline): Uncertain significance (1 of 4 stars; one submission).

Allele frequency attached by ClinVar (database versions not stated): TOPMed below 0.00001; gnomAD 0.00001.
gnomAD v4.1: 1 of 1,610,244 alleles (0.000062%); highest among the groups gnomAD compares: Non-Finnish European, 0.000085%; no homozygotes.

Submission:

Labcorp Genetics (formerly Invitae), Labcorp
Classification: Uncertain significance. Last evaluated: 2022-12-12. Review status: criteria provided, single submitter. Criteria: Invitae Variant Classification Sherloc (09022015). Collection method: clinical testing. Allele origin: germline.
Comment: In summary, the available evidence is currently insufficient to determine the role of this variant in disease. Therefore, it has been classified as a Variant of Uncertain Significance. Advanced modeling of protein sequence and biophysical properties (such as structural, functional, and spatial information, amino acid conservation, physicochemical variation, residue mobility, and thermodynamic stability) performed at Invitae indicates that this missense variant is not expected to disrupt SLC12A6 protein function. This variant has not been reported in the literature in individuals affected with SLC12A6-related conditions. This variant is not present in population databases (gnomAD no frequency). This sequence change replaces alanine, which is neutral and non-polar, with valine, which is neutral and non-polar, at codon 312 of the SLC12A6 protein (p.Ala312Val).

NM_001365088.1(SLC12A6):c.935C>T (p.Ala312Val)

Gene: SLC12A6 (solute carrier family 12 member 6; minus strand). Cytogenetic location: 15q14.
Variant type: single nucleotide variant.
Coding change: c.935C>T on transcript NM_001365088.1 (MANE Select); coding-DNA position 935, C replaced by T.
Protein change: p.Ala312Val; replaces alanine 312 with valine.
Molecular consequence: missense variant.
Genome position (GRCh38, 1-based): chr15:34,254,531, G>A on the plus strand (C>T on the coding strand, the complement: SLC12A6 is on the minus strand). VCF-style: chr15-34254531-G-A. GRCh37 (hg19) VCF-style: chr15-34546732-G-A.
Other names: c.758C>T, p.Ala253Val (NM_001042494.2, NM_001042495.2); c.908C>T, p.Ala303Val (NM_001042496.2); c.890C>T, p.Ala297Val (NM_001042497.2); c.782C>T, p.Ala261Val (NM_005135.2); c.935C>T, p.Ala312Val (NM_133647.2); short protein forms A312V, A253V, A297V, A261V, A303V.
Identifiers: ClinVar variation 2807644 (VCV002807644.3), dbSNP rs1892614325, ClinGen allele CA391609521.